The following is an entry in ClinVar:

ClinVar aggregate classification (germline): Benign/Likely benign. Review status: criteria provided, multiple submitters, no conflicts (2 of 4 stars). 5 submissions from 5 submitters: Benign (1); Likely benign (3). 1 of the submissions does not count toward it. Last evaluated 2025-11-06.

Conditions:
Idiopathic Pulmonary Fibrosis. Also called: Idiopathic fibrosing alveolitis, chronic form; idiopathic fibrosing alveolitis. Identifiers: Orphanet 2032, MedGen C1800706, MeSH D054990, MONDO:0800504.
Dyskeratosis congenita, autosomal dominant 2. Identifiers: MedGen C3151443, MONDO:0013521, OMIM 613989.
TERT-related disorder. Also called: TERT-related condition; TERT-related disorders.

Allele frequency attached by ClinVar (database versions not stated): gnomAD 0.00001; TOPMed 0.00005; ExAC 0.00006.
gnomAD v4.1: 102 of 1,610,968 alleles (0.0063%); highest among the groups gnomAD compares: South Asian, 0.0099%; no homozygotes.

Submissions (5):

Labcorp Genetics (formerly Invitae), Labcorp
Classification: Likely benign for Dyskeratosis congenita, autosomal dominant 2; Idiopathic Pulmonary Fibrosis. Last evaluated: 2025-11-06. Review status: criteria provided, single submitter. Criteria: Invitae Variant Classification Sherloc (09022015). Collection method: clinical testing. Allele origin: germline.

Laboratory of Genetics, Children's Clinical University Hospital Latvia
Classification: Benign. Last evaluated: 2025-02-16. Review status: criteria provided, single submitter. Criteria: ACMG Guidelines, 2015. Collection method: clinical testing. Allele origin: germline. Affected: yes.

Blueprint Genetics
Classification: Likely benign. Last evaluated: 2024-08-21. Review status: criteria provided, single submitter. Criteria: ACMG Guidelines, 2015. Collection method: clinical testing. Allele origin: germline.

Genetic Services Laboratory, University of Chicago
Classification: Likely benign. Last evaluated: 2020-02-11. Review status: criteria provided, single submitter. Criteria: ACMG Guidelines, 2015. Collection method: clinical testing. Allele origin: germline. Affected: no.

PreventionGenetics, part of Exact Sciences
Classification: Likely benign for TERT-related condition. Last evaluated: 2020-03-19. Review status: no assertion criteria provided. Collection method: clinical testing. Allele origin: germline. Not counted in ClinVar's aggregate classification.
Comment: This variant is classified as likely benign based on ACMG/AMP sequence variant interpretation guidelines (Richards et al. 2015 PMID: 25741868, with internal and published modifications).

NM_198253.3(TERT):c.2582+7C>A

Gene: TERT (telomerase reverse transcriptase; minus strand). Cytogenetic location: 5p15.33.
Variant type: single nucleotide variant.
Coding change: c.2582+7C>A on transcript NM_198253.3 (MANE Select); 7 bases into the intron after coding-DNA position 2582, C replaced by A.
Molecular consequence: intron variant.
Genome position (GRCh38, 1-based): chr5:1,268,513, G>T on the plus strand (C>A on the coding strand, the complement: TERT is on the minus strand). VCF-style: chr5-1268513-G-T. GRCh37 (hg19) VCF-style: chr5-1268628-G-T.
Other names: c.2582+7C>A (NM_001193376.3).
Identifiers: ClinVar variation 416309 (VCV000416309.22), dbSNP rs766415474, ClinGen allele CA3184460.